The following is an entry in ClinVar:

NM_005909.5(MAP1B):c.3901G>A (p.Val1301Met)

Gene: MAP1B (microtubule associated protein 1B; plus strand). Cytogenetic location: 5q13.2.
Variant type: single nucleotide variant.
Coding change: c.3901G>A on transcript NM_005909.5 (MANE Select); coding-DNA position 3901, G replaced by A.
Protein change: p.Val1301Met; replaces valine 1301 with methionine.
Molecular consequence: missense variant.
Genome position (GRCh38, 1-based): chr5:72,197,256, G>A. VCF-style: chr5-72197256-G-A. GRCh37 (hg19) VCF-style: chr5-71493083-G-A.
Other names: c.3523G>A, p.Val1175Met (NM_001324255.2); short protein forms V1175M, V1301M.
Identifiers: ClinVar variation 3905511 (VCV003905511.10).

ClinVar aggregate classification (germline): Likely benign (1 of 4 stars; one submission).

gnomAD v4.1: 6 of 1,614,202 alleles (0.00037%); highest among the groups gnomAD compares: Non-Finnish European, 0.00051%; no homozygotes.

Submission:

CeGaT Center for Human Genetics Tuebingen
Classification: Likely benign. Last evaluated: 2025-05-01. Review status: criteria provided, single submitter. Criteria: CeGaT Center For Human Genetics Tuebingen Variant Classification Criteria Version 2. Collection method: clinical testing. Allele origin: germline. Affected: yes. Observed: 1 variant allele.
Comment: MAP1B: BP4